The following is an entry in ClinVar:

NM_021098.3(CACNA1H):c.5024G>T (p.Arg1675Leu)

Gene: CACNA1H (calcium voltage-gated channel subunit alpha1 H; plus strand). Cytogenetic location: 16p13.3.
Variant type: single nucleotide variant.
Coding change: c.5024G>T on transcript NM_021098.3 (MANE Select); coding-DNA position 5024, G replaced by T.
Protein change: p.Arg1675Leu; replaces arginine 1675 with leucine.
Molecular consequence: missense variant.
Genome position (GRCh38, 1-based): chr16:1,215,066, G>T. VCF-style: chr16-1215066-G-T. GRCh37 (hg19) VCF-style: chr16-1265066-G-T.
Other names: c.5006G>T, p.Arg1669Leu (NM_001005407.2); short protein forms R1669L, R1675L.
Identifiers: ClinVar variation 2443401 (VCV002443401.1), dbSNP rs149367557, ClinGen allele CA394146255.
Genomic context (GRCh38, chr16:1,215,066, plus strand): 5'-TCTTCACCATCGTGTTTGTCTTCGAGGCTGCACTGAAGCTGGTAGCATTTGGGTTCCGTC[G>T]GTTCTTCAAGGACAGGTGTGTGTGGTGGGGCCGTCTTGGGTTCTGGGGGCCCCTCAGGGC-3'
Protein context (NP_066921.2, residues 1665-1685): ALKLVAFGFR[Arg1675Leu]FFKDRWNQLD

ClinVar aggregate classification (germline): Uncertain significance (1 of 4 stars; one submission).

Submission:

GeneDx
Classification: Uncertain significance. Last evaluated: 2022-09-13. Review status: criteria provided, single submitter. Criteria: GeneDx Variant Classification Process June 2021. Collection method: clinical testing. Allele origin: germline. Affected: yes.
Comment: Not observed at significant frequency in large population cohorts (gnomAD); In silico analysis supports that this missense variant has a deleterious effect on protein structure/function; Has not been previously published as pathogenic or benign to our knowledge